The following is an entry in ClinVar:

NM_000158.4(GBE1):c.1000A>G (p.Ile334Val)

Gene: GBE1 (1,4-alpha-glucan branching enzyme 1; minus strand). Cytogenetic location: 3p12.2.
Variant type: single nucleotide variant.
Coding change: c.1000A>G on transcript NM_000158.4 (MANE Select); coding-DNA position 1000, A replaced by G.
Protein change: p.Ile334Val; replaces isoleucine 334 with valine.
Molecular consequence: missense variant.
Genome position (GRCh38, 1-based): chr3:81,594,016, T>C on the plus strand (A>G on the coding strand, the complement: GBE1 is on the minus strand). VCF-style: chr3-81594016-T-C. GRCh37 (hg19) VCF-style: chr3-81643167-T-C.
Other names: p.Ile334Val; short protein forms I334V.
Identifiers: ClinVar variation 1168034 (VCV001168034.23), dbSNP rs2172397, ClinGen allele CA2499809.

ClinVar aggregate classification (germline): Benign. Review status: criteria provided, multiple submitters, no conflicts (2 of 4 stars). 13 submissions from 11 submitters: Benign (9). 4 of the submissions do not count toward it. Last evaluated 2026-02-04.

Conditions:
Adult polyglucosan body disease (APBN). Also called: GBE1-Adult Polyglucosan Body Disease; POLYGLUCOSAN BODY DISEASE, ADULT FORM. Identifiers: Orphanet 206583, MedGen C1849722, MONDO:0009897, OMIM 263570.
Glycogen storage disease, type IV (GSD4). Also called: Glycogen storage disease due to glycogen branching enzyme deficiency; GSD IV; CIRRHOSIS, FAMILIAL, WITH DEPOSITION OF ABNORMAL GLYCOGEN; GBE1 DEFICIENCY; GLYCOGEN BRANCHING ENZYME DEFICIENCY; GLYCOGENOSIS IV. Identifiers: Orphanet 367, MedGen C0017923, MONDO:0009292, OMIM 232500.
Glycogen storage disease IV, classic hepatic. Also called: GSD IV, CLASSIC HEPATIC. Identifiers: MedGen C1856301.

Allele frequency attached by ClinVar (database versions not stated): gnomAD exomes 0.97155 and 0.97556; ExAC 0.97280; gnomAD 0.97855 and 0.97909; ESP Exome Variant Server 0.97927; TOPMed 0.98258; 1000 Genomes Project 0.98363; 1000 Genomes Project 30x 0.98485.
gnomAD v4.1: 1,463,903 of 1,505,534 alleles (97%); highest among the groups gnomAD compares: East Asian, 100%; 711,835 homozygotes.

Submissions (13):

Labcorp Genetics (formerly Invitae), Labcorp
Classification: Benign for Glycogen storage disease, type IV; Glycogen storage disease IV, classic hepatic. Last evaluated: 2026-02-04. Review status: criteria provided, single submitter. Criteria: Invitae Variant Classification Sherloc (09022015). Collection method: clinical testing. Allele origin: germline.

Mayo Clinic Laboratories, Mayo Clinic
Classification: Benign. Last evaluated: 2025-11-04. Review status: criteria provided, single submitter. Criteria: ACMG Guidelines, 2015. Collection method: clinical testing. Allele origin: germline. Observed: 3,205 variant alleles.
Comment: BA1

Women's Health and Genetics/Laboratory Corporation of America, LabCorp
Classification: Benign. Last evaluated: 2025-01-24. Review status: criteria provided, single submitter. Criteria: LabCorp Variant Classification Summary - May 2015. Collection method: clinical testing. Allele origin: germline.

Blueprint Genetics
Classification: Benign. Last evaluated: 2024-11-26. Review status: criteria provided, single submitter. Criteria: ACMG Guidelines, 2015. Collection method: clinical testing. Allele origin: germline.

Genome-Nilou Lab
Classification: Benign for Glycogen storage disease, type IV. Last evaluated: 2021-08-10. Review status: criteria provided, single submitter. Criteria: ACMG Guidelines, 2015. Collection method: clinical testing. Allele origin: germline. Affected: no.

Genome-Nilou Lab
Classification: Benign for Adult polyglucosan body disease. Last evaluated: 2021-08-10. Review status: criteria provided, single submitter. Criteria: ACMG Guidelines, 2015. Collection method: clinical testing. Allele origin: germline. Affected: no.

Pars Genome Lab
Classification: Benign for Glycogen storage disease, type IV. Last evaluated: 2021-06-15. Review status: criteria provided, single submitter. Criteria: ACMG Guidelines, 2015. Collection method: clinical testing. Allele origin: germline. Affected: no.

Pars Genome Lab
Classification: Benign for Adult polyglucosan body disease. Last evaluated: 2021-06-15. Review status: criteria provided, single submitter. Criteria: ACMG Guidelines, 2015. Collection method: clinical testing. Allele origin: germline. Affected: no.

Breakthrough Genomics
Classification: Benign. Review status: criteria provided, single submitter. Criteria: ACMG Guidelines, 2015. Collection method: not provided. Allele origin: germline. Inheritance: Autosomal recessive inheritance. Affected: yes.

Natera, Inc.
Classification: Benign for Glycogen storage disease type IV. Last evaluated: 2019-08-28. Review status: no assertion criteria provided. Collection method: clinical testing. Allele origin: germline. Not counted in ClinVar's aggregate classification.

Clinical Genetics, Academic Medical Center
Classification: Benign. Review status: no assertion criteria provided. Collection method: clinical testing. Allele origin: germline. Affected: yes. Study: VKGL Data-share Consensus. Not counted in ClinVar's aggregate classification.

Diagnostic Laboratory, Department of Genetics, University Medical Center Groningen
Classification: Benign. Review status: no assertion criteria provided. Collection method: clinical testing. Allele origin: germline. Affected: yes. Study: VKGL Data-share Consensus. Not counted in ClinVar's aggregate classification.

Genome Diagnostics Laboratory, University Medical Center Utrecht
Classification: Benign. Review status: no assertion criteria provided. Collection method: clinical testing. Allele origin: germline. Affected: yes. Study: VKGL Data-share Consensus. Not counted in ClinVar's aggregate classification.

Literature cited by the submitters: PubMed 20058079 (cited by Mayo Clinic Laboratories, Mayo Clinic).